The following is an entry in ClinVar:

NM_001378452.1(ITPR1):c.7374C>G (p.Ile2458Met)

Gene: ITPR1 (inositol 1,4,5-trisphosphate receptor type 1; plus strand). Cytogenetic location: 3p26.1.
Variant type: single nucleotide variant.
Coding change: c.7374C>G on transcript NM_001378452.1 (MANE Select); coding-DNA position 7374, C replaced by G.
Protein change: p.Ile2458Met; replaces isoleucine 2458 with methionine.
Molecular consequence: missense variant.
Genome position (GRCh38, 1-based): chr3:4,811,366, C>G. VCF-style: chr3-4811366-C-G. GRCh37 (hg19) VCF-style: chr3-4853050-C-G.
Other names: c.7230C>G, p.Ile2410Met (NM_001099952.4); c.7329C>G, p.Ile2443Met (NM_001168272.2); c.7185C>G, p.Ile2395Met (NM_002222.7); short protein forms I2395M, I2410M, I2443M, I2458M.
Identifiers: ClinVar variation 3616821 (VCV003616821.2).

ClinVar aggregate classification (germline): Uncertain significance (1 of 4 stars; one submission).

Submission:

Labcorp Genetics (formerly Invitae), Labcorp
Classification: Uncertain significance. Last evaluated: 2024-09-03. Review status: criteria provided, single submitter. Criteria: Invitae Variant Classification Sherloc (09022015). Collection method: clinical testing. Allele origin: germline.
Comment: This sequence change replaces isoleucine, which is neutral and non-polar, with methionine, which is neutral and non-polar, at codon 2395 of the ITPR1 protein (p.Ile2395Met). This variant is not present in population databases (gnomAD no frequency). This variant has not been reported in the literature in individuals affected with ITPR1-related conditions. Invitae Evidence Modeling of protein sequence and biophysical properties (such as structural, functional, and spatial information, amino acid conservation, physicochemical variation, residue mobility, and thermodynamic stability) indicates that this missense variant is expected to disrupt ITPR1 protein function with a positive predictive value of 95%. In summary, the available evidence is currently insufficient to determine the role of this variant in disease. Therefore, it has been classified as a Variant of Uncertain Significance.